The following is an entry in ClinVar:

ClinVar aggregate classification (germline): Uncertain significance (1 of 4 stars; one submission).

Conditions:
Inborn genetic diseases. Identifiers: MedGen C0950123, MeSH D030342.

Submission:

Ambry Genetics
Classification: Uncertain significance for Inborn genetic diseases. Last evaluated: 2024-03-27. Review status: criteria provided, single submitter. Criteria: Ambry Variant Classification Scheme 2023. Collection method: clinical testing. Allele origin: germline.
Comment: The c.518G>C (p.R173T) alteration is located in coding exon 4 of the CDH2 gene. This alteration results from a G to C substitution at nucleotide position 518, causing the arginine (R) at amino acid position 173 to be replaced by a threonine (T). This variant was not reported in population-based cohorts in the Genome Aggregation Database (gnomAD). This amino acid position is highly conserved in available vertebrate species. The in silico prediction for this alteration is inconclusive. Based on insufficient or conflicting evidence, the clinical significance of this alteration remains unclear.

NM_001792.5(CDH2):c.518G>C (p.Arg173Thr)

Gene: CDH2 (cadherin 2; minus strand). Cytogenetic location: 18q12.1.
Variant type: single nucleotide variant.
Coding change: c.518G>C on transcript NM_001792.5 (MANE Select); coding-DNA position 518, G replaced by C.
Protein change: p.Arg173Thr; replaces arginine 173 with threonine.
Molecular consequence: missense variant.
Genome position (GRCh38, 1-based): chr18:28,011,874, C>G on the plus strand (G>C on the coding strand, the complement: CDH2 is on the minus strand). VCF-style: chr18-28011874-C-G. GRCh37 (hg19) VCF-style: chr18-25591838-C-G.
Other names: c.425G>C, p.Arg142Thr (NM_001308176.2); short protein forms R173T, R142T.
Identifiers: ClinVar variation 3265229 (VCV003265229.1).